The following is an entry in ClinVar:

ClinVar aggregate classification (germline): Uncertain significance (1 of 4 stars; one submission).

gnomAD v4.1: 4 of 1,612,100 alleles (0.00025%); highest among the groups gnomAD compares: Admixed American, 0.0017%; no homozygotes.

Submission:

Women's Health and Genetics/Laboratory Corporation of America, LabCorp
Classification: Uncertain significance. Last evaluated: 2025-02-05. Review status: criteria provided, single submitter. Criteria: LabCorp Variant Classification Summary - May 2015. Collection method: clinical testing. Allele origin: germline.
Comment: Variant summary: PRMT7 c.932G>A (p.Arg311Gln) results in a conservative amino acid change located in the SAM-dependent methyltransferase PRMT-type domain profile (IPR025799) of the encoded protein sequence. Three of five in-silico tools predict a damaging effect of the variant on protein function. The variant was absent in 247472 control chromosomes. The available data on variant occurrences in the general population are insufficient to allow any conclusion about variant significance. To our knowledge, no occurrence of c.932G>A in individuals affected with Short Stature, Brachydactyly, Intellectual Developmental Disability, And Seizures and no experimental evidence demonstrating its impact on protein function have been reported. No submitters have cited clinical-significance assessments for this variant to ClinVar. Based on the evidence outlined above, the variant was classified as uncertain significance.

NM_019023.5(PRMT7):c.932G>A (p.Arg311Gln)

Gene: PRMT7 (protein arginine methyltransferase 7; plus strand). Cytogenetic location: 16q22.1.
Variant type: single nucleotide variant.
Coding change: c.932G>A on transcript NM_019023.5 (MANE Select); coding-DNA position 932, G replaced by A.
Protein change: p.Arg311Gln; replaces arginine 311 with glutamine.
Molecular consequence: missense variant. On other transcripts: non-coding transcript variant (12).
Genome position (GRCh38, 1-based): chr16:68,345,679, G>A. VCF-style: chr16-68345679-G-A. GRCh37 (hg19) VCF-style: chr16-68379582-G-A.
Other names: c.782G>A, p.Arg261Gln (NM_001184824.4); c.932G>A, p.Arg311Gln (NM_001290018.2, NM_001351143.3, NM_001351144.3 and 1 more transcripts); c.725G>A, p.Arg242Gln (NM_001378020.1); c.695G>A, p.Arg232Gln (NM_001378021.1, NM_001378022.1, NM_001378023.1); short protein forms R232Q, R242Q, R261Q, R311Q.
Identifiers: ClinVar variation 3768755 (VCV003768755.1).
Genomic context (GRCh38, chr16:68,345,679, plus strand): 5'-TAGAAGCATTGCTCATACTGCAGCTCGTTGACAGCTGACTCTGTTCTCCGTTTCAGTGGC[G>A]GGACCACTGGATGCAGTGTGTGTACTTCCTGCCACAAGAGGAGCCTGTGGTGCAGGGCTC-3'
Protein context (NP_061896.1, residues 301-321): AHSDPEEMQW[Arg311Gln]DHWMQCVYFL